The following is an entry in ClinVar:

NM_000548.5(TSC2):c.848+113A>G

Gene: TSC2 (TSC complex subunit 2; plus strand). Cytogenetic location: 16p13.3.
Variant type: single nucleotide variant.
Coding change: c.848+113A>G on transcript NM_000548.5 (MANE Select); 113 bases into the intron after coding-DNA position 848, A replaced by G.
Molecular consequence: intron variant.
Genome position (GRCh38, 1-based): chr16:2,057,291, A>G. VCF-style: chr16-2057291-A-G. GRCh37 (hg19) VCF-style: chr16-2107292-A-G.
Other names: c.848+113A>G (NM_001114382.3, NM_021055.3, NM_001370405.1 and 3 more transcripts); c.737+113A>G (NM_001318827.2); c.248+113A>G (NM_001318831.2); c.701+113A>G (NM_001318829.2); c.881+113A>G (NM_001318832.2).
Identifiers: ClinVar variation 676019 (VCV000676019.1), dbSNP rs56077830, ClinGen allele CA276775053.

ClinVar aggregate classification (germline): Likely benign (1 of 4 stars; one submission).

Allele frequency attached by ClinVar (database versions not stated): gnomAD exomes 0.00103; 1000 Genomes Project 0.01058; gnomAD 0.01095 and 0.01171; 1000 Genomes Project 30x 0.01187; TOPMed 0.01221.
gnomAD v4.1: 2,965 of 1,304,088 alleles (0.23%); highest among the groups gnomAD compares: African/African-American, 3.8%; 46 homozygotes.

Submission:

GeneDx
Classification: Likely benign. Last evaluated: 2018-06-14. Review status: criteria provided, single submitter. Criteria: GeneDx Variant Classification (06012015). Collection method: clinical testing. Allele origin: germline. Affected: yes.
Comment: This variant is considered likely benign or benign based on one or more of the following criteria: it is a conservative change, it occurs at a poorly conserved position in the protein, it is predicted to be benign by multiple in silico algorithms, and/or has population frequency not consistent with disease.